The following is an entry in ClinVar:

NM_000268.4(NF2):c.970C>G (p.Gln324Glu)

Gene: NF2 (NF2, moesin-ezrin-radixin like (MERLIN) tumor suppressor; plus strand). Cytogenetic location: 22q12.2.
Variant type: single nucleotide variant.
Coding change: c.970C>G on transcript NM_000268.4 (MANE Select); coding-DNA position 970, C replaced by G.
Protein change: p.Gln324Glu; replaces glutamine 324 with glutamic acid.
Molecular consequence: missense variant. On other transcripts: non-coding transcript variant (1), intron variant (1).
Genome position (GRCh38, 1-based): chr22:29,668,417, C>G. VCF-style: chr22-29668417-C-G. GRCh37 (hg19) VCF-style: chr22-30064406-C-G.
Other names: c.970C>G, p.Gln324Glu (NM_016418.5, NM_181825.3, NM_181832.3); c.844C>G, p.Gln282Glu (NM_181828.3); c.847C>G, p.Gln283Glu (NM_181829.3); c.721C>G, p.Gln241Glu (NM_181830.3, NM_181831.3); c.447+26132C>G (NM_181833.3); short protein forms Q241E, Q282E, Q283E, Q324E.
Identifiers: ClinVar variation 846276 (VCV000846276.11), dbSNP rs74315500, ClinGen allele CA411146013.
Genomic context (GRCh38, chr22:29,668,417, plus strand): 5'-CATGATCTATTTATGAGGAGAAGGAAAGCCGATTCTTTGGAAGTTCAGCAGATGAAAGCC[C>G]AGGCCAGGGAGGAGAAGGCTAGAAAGCAGGTGAGCACAACCTTGTTTTAACTGATGATGT-3'
Protein context (NP_000259.1, residues 314-334): DSLEVQQMKA[Gln324Glu]AREEKARKQM

ClinVar aggregate classification (germline): Uncertain significance. Review status: criteria provided, multiple submitters, no conflicts (2 of 4 stars). 2 submissions from 2 submitters: Uncertain significance (2). Last evaluated 2023-08-23.

Conditions:
Neurofibromatosis, type 2 (SWNV). Also called: BILATERAL ACOUSTIC NEUROFIBROMATOSIS; SCHWANNOMATOSIS, VESTIBULAR; NF2-Related Schwannomatosis. Identifiers: Orphanet 637, MedGen C0027832, MONDO:0007039, OMIM 101000. Disease mechanism: loss of function.

Submissions (2):

All of Us Research Program, National Institutes of Health
Classification: Uncertain significance for Neurofibromatosis, type 2. Last evaluated: 2023-08-23. Review status: criteria provided, single submitter. Criteria: ACMG Guidelines, 2015. Collection method: clinical testing. Allele origin: germline. Inheritance: Autosomal dominant inheritance. Observed: 1 variant allele, 1 heterozygote.
Comment: This missense variant replaces glutamine with glutamic acid at codon 324 of the NF2 protein. Computational prediction is inconclusive regarding the impact of this variant on protein structure and function (internally defined REVEL score threshold 0.5 < inconclusive < 0.7, PMID: 27666373). To our knowledge, functional studies have not been reported for this variant. This variant has not been reported in individuals affected with NF2-related disorders in the literature. This variant has not been identified in the general population by the Genome Aggregation Database (gnomAD). The available evidence is insufficient to determine the role of this variant in disease conclusively. Therefore, this variant is classified as a Variant of Uncertain Significance.

This study involves interpretation of variants in research participants for the purpose of population health screening. Participant phenotype was not available at the time of variant classification. Additional details can be found in publication PMID: 35346344, PMCID: PMC8962531

Labcorp Genetics (formerly Invitae), Labcorp
Classification: Uncertain significance for Neurofibromatosis, type 2. Last evaluated: 2019-01-14. Review status: criteria provided, single submitter. Criteria: Invitae Variant Classification Sherloc (09022015). Collection method: clinical testing. Allele origin: germline.
Comment: In summary, the available evidence is currently insufficient to determine the role of this variant in disease. Therefore, it has been classified as a Variant of Uncertain Significance. Algorithms developed to predict the effect of missense changes on protein structure and function are either unavailable or do not agree on the potential impact of this missense change (SIFT: "Deleterious"; PolyPhen-2: "Benign"; Align-GVGD: "Class C25"). This variant has not been reported in the literature in individuals with NF2-related conditions. This variant is not present in population databases (ExAC no frequency). This sequence change replaces glutamine with glutamic acid at codon 324 of the NF2 protein (p.Gln324Glu). The glutamine residue is highly conserved and there is a small physicochemical difference between glutamine and glutamic acid.